The following is an entry in ClinVar:

NM_024757.5(EHMT1):c.213_214delinsTA (p.Lys71_His72delinsAsnAsn)

Gene: EHMT1 (euchromatic histone lysine methyltransferase 1; plus strand). Cytogenetic location: 9q34.3.
Variant type: Indel.
Coding change: c.213_214delinsTA on transcript NM_024757.5 (MANE Select); coding-DNA positions 213 to 214, GC replaced by TA.
Protein change: p.Lys71_His72delinsAsnAsn.
Molecular consequence: missense variant.
Genome position (GRCh38, 1-based): chr9:137,716,753-137,716,754, GC replaced by TA. VCF-style: chr9-137716753-GC-TA. GRCh37 (hg19) VCF-style: chr9-140611205-GC-TA.
Other names: c.120_121delinsTA, p.Lys40_His41delinsAsnAsn (NM_001354259.2, NM_001354612.2); c.213_214delinsTA, p.Lys71_His72delinsAsnAsn (NM_001354263.2, NM_001354611.2, NM_001145527.2).
Identifiers: ClinVar variation 2033394 (VCV002033394.4), dbSNP rs2541029468, ClinGen allele CA2580080991.

ClinVar aggregate classification (germline): Uncertain significance (1 of 4 stars; one submission).

Conditions:
Kleefstra syndrome 1 (KLEFS1). Identifiers: Orphanet 261494, MedGen C0795833, MONDO:0027407, OMIM 610253.

Submission:

Labcorp Genetics (formerly Invitae), Labcorp
Classification: Uncertain significance for Kleefstra syndrome 1. Last evaluated: 2022-09-29. Review status: criteria provided, single submitter. Criteria: Invitae Variant Classification Sherloc (09022015). Collection method: clinical testing. Allele origin: germline.
Comment: This variant, c.213_214delinsTA, is a complex sequence change that results in the deletion of 2 and insertion of 2 amino acid(s) in the EHMT1 protein (p.Lys71_His72delinsAsnAsn). In summary, the available evidence is currently insufficient to determine the role of this variant in disease. Therefore, it has been classified as a Variant of Uncertain Significance. Experimental studies and prediction algorithms are not available or were not evaluated, and the functional significance of this variant is currently unknown. This variant has not been reported in the literature in individuals affected with EHMT1-related conditions. Information on the frequency of this variant in the gnomAD database is not available, as this variant may be reported differently in the database.